The following is an entry in ClinVar:

NM_020937.4(FANCM):c.5195A>G (p.Lys1732Arg)

Gene: FANCM (FA complementation group M; plus strand). Cytogenetic location: 14q21.2.
Variant type: single nucleotide variant.
Coding change: c.5195A>G on transcript NM_020937.4 (MANE Select); coding-DNA position 5195, A replaced by G.
Protein change: p.Lys1732Arg; replaces lysine 1732 with arginine.
Molecular consequence: missense variant.
Genome position (GRCh38, 1-based): chr14:45,189,217, A>G. VCF-style: chr14-45189217-A-G. GRCh37 (hg19) VCF-style: chr14-45658420-A-G.
Other names: c.5117A>G, p.Lys1706Arg (NM_001308133.2); short protein forms K1706R, K1732R.
Identifiers: ClinVar variation 4254650 (VCV004254650.1).

ClinVar aggregate classification (germline): Uncertain significance (1 of 4 stars; one submission).

Conditions:
Inborn genetic diseases. Identifiers: MedGen C0950123, MeSH D030342.

Submission:

Ambry Genetics
Classification: Uncertain significance for Inborn genetic diseases. Last evaluated: 2025-08-03. Review status: criteria provided, single submitter. Criteria: Ambry Variant Classification Scheme 2023. Collection method: clinical testing. Allele origin: germline.
Comment: The p.K1732R variant (also known as c.5195A>G), located in coding exon 20 of the FANCM gene, results from an A to G substitution at nucleotide position 5195. The lysine at codon 1732 is replaced by arginine, an amino acid with highly similar properties. This amino acid position is conserved. In addition, this alteration is predicted to be tolerated by in silico analysis. Based on the available evidence, the clinical significance of this variant remains unclear.